The following is an entry in ClinVar:

ClinVar aggregate classification (germline): Pathogenic. Review status: criteria provided, multiple submitters, no conflicts (2 of 4 stars). 2 submissions from 2 submitters: Pathogenic (2). Last evaluated 2024-09-25.

Conditions:
Familial adenomatous polyposis 1 (FAP1). Also called: FAMILIAL ADENOMATOUS POLYPOSIS 1, ATTENUATED; POLYPOSIS, ADENOMATOUS INTESTINAL. Identifiers: MedGen C2713442, MONDO:0021056, OMIM 175100. Disease mechanism: loss of function.

Submissions (2):

Labcorp Genetics (formerly Invitae), Labcorp
Classification: Pathogenic for Familial adenomatous polyposis 1. Last evaluated: 2024-09-25. Review status: criteria provided, single submitter. Criteria: Invitae Variant Classification Sherloc (09022015). Collection method: clinical testing. Allele origin: germline.
Comment: This sequence change creates a premature translational stop signal (p.Glu154Glyfs*14) in the APC gene. It is expected to result in an absent or disrupted protein product. Loss-of-function variants in APC are known to be pathogenic (PMID: 17963004, 20685668). This variant is not present in population databases (gnomAD no frequency). This variant has not been reported in the literature in individuals affected with APC-related conditions. ClinVar contains an entry for this variant (Variation ID: 1298392). For these reasons, this variant has been classified as Pathogenic.

MVZ Martinsried, Medicover Genetics
Classification: Pathogenic for Familial adenomatous polyposis 1. Last evaluated: 2021-08-11. Review status: criteria provided, single submitter. Criteria: ACGS Guidelines, 2020. Collection method: clinical testing. Allele origin: unknown. Affected: yes.

Literature cited by the submitters: PubMed 17963004 (cited by Labcorp Genetics (formerly Invitae), Labcorp); PubMed 20685668 (cited by Labcorp Genetics (formerly Invitae), Labcorp).

NM_000038.6(APC):c.460dup (p.Glu154fs)

Gene: APC (APC regulator of Wnt signaling pathway; plus strand). Cytogenetic location: 5q22.2.
Variant type: Duplication.
Coding change: c.460dup on transcript NM_000038.6 (MANE Select); coding-DNA position 460, one base duplicated (G; older notation c.460dupG).
Protein change: p.Glu154fs; shifts the reading frame from glutamic acid 154.
Molecular consequence: frameshift variant. On other transcripts: 5 prime UTR variant (1).
Genome position (GRCh38, 1-based): chr5:112,775,666, G duplicated; the last of 2 consecutive G bases (chr5:112,775,665-112,775,666); duplicating either gives the same sequence. VCF-style (leftmost placement, unchanged base first): chr5-112775664-A-AG. GRCh37 (hg19) VCF-style: chr5-112111361-A-AG.
Other names: c.460dup, p.Glu154fs (NM_001127510.3, NM_001354895.2, NM_001354896.2 and 2 more transcripts); c.490dup, p.Glu164fs (NM_001127511.3, NM_001354897.2, NM_001354902.2); c.385dup, p.Glu129fs (NM_001354898.2, NM_001354904.2); c.283dup, p.Glu95fs (NM_001354900.2, NM_001354901.2, NM_001354905.2); c.-576dup (NM_001354906.2); c.460dupG (NM_000038.6); short protein forms E129fs, E154fs, E164fs, E95fs.
Identifiers: ClinVar variation 1298392 (VCV001298392.3), dbSNP rs2149614987, ClinGen allele CA2499217425.